The following is an entry in ClinVar:

ClinVar aggregate classification (germline): Likely pathogenic. Review status: criteria provided, multiple submitters, no conflicts (2 of 4 stars). 3 submissions from 3 submitters: Likely pathogenic (3). Last evaluated 2025-08-26.

Conditions:
Autosomal dominant Alport syndrome (ATS3A). Also called: Alport syndrome dominant type; Renal failure and sensorineural hearing loss; ALPORT SYNDROME 3A, AUTOSOMAL DOMINANT. Identifiers: Orphanet 63, Orphanet 88918, MedGen C5882663, MONDO:0007086, OMIM 104200.
Hematuria, benign familial, 2 (BFH2). Identifiers: MedGen C5830421, MONDO:0958186, OMIM 620320.
Alport syndrome 3b, autosomal recessive. Identifiers: MedGen C5882699, MONDO:0957811, OMIM 620536.
Alport syndrome. Also called: Hemorrhagic familial nephritis; Hemorrhagic hereditary nephritis; Congenital hereditary hematuria. Identifiers: Orphanet 63, MedGen C1567741, MONDO:0018965.

gnomAD v4.1: 4 of 1,613,620 alleles (0.00025%); highest among the groups gnomAD compares: Middle Eastern, 0.017%; no homozygotes.

Submissions (3):

Natera, Inc.
Classification: Likely pathogenic for Alport syndrome. Last evaluated: 2025-08-26. Review status: criteria provided, single submitter. Criteria: Natera Variant Classification Schema (03/2026). Collection method: clinical testing. Allele origin: germline.
Comment: The c.3311G>C variant in COL4A3 is a missense variant predicted to cause substitution of glycine to alanine at amino acid 1104. This variant is rare in the general population with a frequency below the threshold expected for the associated phenotype(s). This variant is located in a functionally critical region of the protein. Computational prediction algorithms indicate this variant is likely to affect gene or protein function. Given the available evidence, this variant is classified as Likely Pathogenic.

Revvity Omics, Revvity
Classification: Likely pathogenic. Last evaluated: 2025-05-19. Review status: criteria provided, single submitter. Criteria: ACMG Guidelines, 2015. Collection method: clinical testing. Allele origin: germline.

Fulgent Genetics
Classification: Likely pathogenic for Autosomal dominant Alport syndrome; Hematuria, benign familial, 2; Alport syndrome 3b, autosomal recessive. Last evaluated: 2024-06-18. Review status: criteria provided, single submitter. Criteria: ACMG Guidelines, 2015. Collection method: clinical testing. Allele origin: germline.

NM_000091.5(COL4A3):c.3311G>C (p.Gly1104Ala)

Genes: COL4A3 (collagen type IV alpha 3 chain; plus strand), MFF-DT (MFF divergent transcript; minus strand). Cytogenetic location: 2q36.3.
Variant type: single nucleotide variant.
Coding change: c.3311G>C on transcript NM_000091.5 (MANE Select); coding-DNA position 3311, G replaced by C.
Protein change: p.Gly1104Ala; replaces glycine 1104 with alanine.
Molecular consequence: missense variant.
Genome position (GRCh38, 1-based): chr2:227,293,291, G>C. VCF-style: chr2-227293291-G-C. GRCh37 (hg19) VCF-style: chr2-228158007-G-C.
Other names: short protein forms G1104A.
Identifiers: ClinVar variation 3586102 (VCV003586102.3).